The following is an entry in ClinVar:

ClinVar aggregate classification (germline): Uncertain significance. Review status: criteria provided, multiple submitters, no conflicts (2 of 4 stars). 3 submissions from 3 submitters: Uncertain significance (3). Last evaluated 2025-05-28.

Conditions:
Congenital disorder of deglycosylation (CDDG). Identifiers: MedGen C3808991, MONDO:0031376.
Inborn genetic diseases. Identifiers: MedGen C0950123, MeSH D030342.

Submissions (3):

Ambry Genetics
Classification: Uncertain significance for Inborn genetic diseases. Last evaluated: 2025-05-28. Review status: criteria provided, single submitter. Criteria: Ambry Variant Classification Scheme 2023. Collection method: clinical testing. Allele origin: germline.
Comment: The c.12_14dupGGC (p.A5dup) alteration is located in exon 1 (coding exon 1) of the NGLY1 gene. The alteration consists of an in-frame duplication of 3 nucleotides from position 12 to 14, resulting in the duplication of 1 residue. Based on insufficient or conflicting evidence, the clinical significance of this alteration remains unclear.

Labcorp Genetics (formerly Invitae), Labcorp
Classification: Uncertain significance for Congenital disorder of deglycosylation. Last evaluated: 2022-10-28. Review status: criteria provided, single submitter. Criteria: Invitae Variant Classification Sherloc (09022015). Collection method: clinical testing. Allele origin: germline.
Comment: This variant, c.12_14dup, results in the insertion of 1 amino acid(s) of the NGLY1 protein (p.Ala5dup), but otherwise preserves the integrity of the reading frame. This variant is present in population databases (rs753912717, gnomAD 0.04%). This variant has not been reported in the literature in individuals affected with NGLY1-related conditions. ClinVar contains an entry for this variant (Variation ID: 651035). Experimental studies and prediction algorithms are not available or were not evaluated, and the functional significance of this variant is currently unknown. In summary, the available evidence is currently insufficient to determine the role of this variant in disease. Therefore, it has been classified as a Variant of Uncertain Significance.

GeneDx
Classification: Uncertain significance. Last evaluated: 2020-06-16. Review status: criteria provided, single submitter. Criteria: GeneDx Variant Classification Process June 2021. Collection method: clinical testing. Allele origin: germline. Affected: yes.
Comment: In-frame insertion of 1 amino acids in a non-repeat region; Has not been previously published as pathogenic or benign to our knowledge

NM_018297.4(NGLY1):c.3GGC[5] (p.Ala5dup)

Gene: NGLY1 (N-glycanase 1; minus strand). Cytogenetic location: 3p24.2.
Variant type: Microsatellite.
Coding change: c.3GGC[5] on transcript NM_018297.4 (MANE Select); five copies in a row of the 3-base unit GGC starting at c.3; the reference has four copies in a row; one copy, 3 bases duplicated; also written c.12_14dup.
Protein change: p.Ala5dup; duplicates alanine 5.
Molecular consequence: inframe insertion, initiator codon variant. On other transcripts: intron variant (1).
Genome position (GRCh38, 1-based): chr3:25,783,377-25,783,379, GCC duplicated on the plus strand (GGC on the coding strand, the reverse complement: NGLY1 is on the minus strand); duplicating any 3 consecutive bases within chr3:25,783,377-25,783,388 gives the same sequence; the position shown is the placement nearest the transcript's 3' end. VCF-style (leftmost placement, unchanged base first): chr3-25783376-T-TGCC. GRCh37 (hg19) VCF-style: chr3-25824867-T-TGCC.
Other names: c.12_14dup (NM_018297.3); c.3GGC[5], p.Ala5dup (NM_001145293.2, NM_001145295.2); c.6-4700GGC[5] (NM_001145294.2).
Identifiers: ClinVar variation 651035 (VCV000651035.10), dbSNP rs753912717, ClinGen allele CA2289610.